The following is an entry in ClinVar:

ClinVar aggregate classification (germline): Pathogenic/Likely pathogenic. Review status: criteria provided, multiple submitters, no conflicts (2 of 4 stars). 3 submissions from 3 submitters: Pathogenic (1); Likely pathogenic (2). Last evaluated 2024-10-25.

Conditions:
Pulmonary fibrosis and/or bone marrow failure, Telomere-related, 3. Also called: PULMONARY FIBROSIS AND/OR BONE MARROW FAILURE SYNDROME, TELOMERE-RELATED, 3. Identifiers: Orphanet 2032, MedGen C4225346, MONDO:0014613, OMIM 616373.
Dyskeratosis congenita, autosomal recessive 5 (DKCB5). Identifiers: MedGen C3554656, MONDO:0014076, OMIM 615190.
Dyskeratosis congenita. Identifiers: Orphanet 1775, MedGen C0265965, MONDO:0015780.

Submissions (3):

Natera, Inc.
Classification: Likely pathogenic for Dyskeratosis congenita. Last evaluated: 2024-10-25. Review status: criteria provided, single submitter. Criteria: Natera Variant Classification Schema (03/2026). Collection method: clinical testing. Allele origin: germline.
Comment: The c.2797C>T variant in RTEL1 is a nonsense variant predicted to introduce a stop codon at amino acid 933. This variant is expected to result in nonsense mediated decay, truncation, or a dysfunctional protein product. This variant is rare in the general population with a frequency below the threshold expected for the associated phenotype(s). Given the available evidence, this variant is classified as Likely Pathogenic.

Baylor Genetics
Classification: Likely pathogenic for Dyskeratosis congenita, autosomal recessive 5. Last evaluated: 2023-01-12. Review status: criteria provided, single submitter. Criteria: ACMG Guidelines, 2015. Collection method: clinical testing. Allele origin: unknown.

Labcorp Genetics (formerly Invitae), Labcorp
Classification: Pathogenic for Dyskeratosis congenita, autosomal recessive 5; Pulmonary fibrosis and/or bone marrow failure, Telomere-related, 3. Last evaluated: 2022-10-13. Review status: criteria provided, single submitter. Criteria: Invitae Variant Classification Sherloc (09022015). Collection method: clinical testing. Allele origin: germline.
Comment: This sequence change creates a premature translational stop signal (p.Gln909*) in the RTEL1 gene. It is expected to result in an absent or disrupted protein product. Loss-of-function variants in RTEL1 are known to be pathogenic (PMID: 23453664, 23959892, 25607374). This variant is not present in population databases (gnomAD no frequency). This variant has not been reported in the literature in individuals affected with RTEL1-related conditions. ClinVar contains an entry for this variant (Variation ID: 941068). Algorithms developed to predict the effect of sequence changes on RNA splicing suggest that this variant may create or strengthen a splice site. For these reasons, this variant has been classified as Pathogenic.

Literature cited by the submitters: PubMed 23453664 (cited by Labcorp Genetics (formerly Invitae), Labcorp); PubMed 23959892 (cited by Labcorp Genetics (formerly Invitae), Labcorp); PubMed 25607374 (cited by Labcorp Genetics (formerly Invitae), Labcorp).

NM_001283009.2(RTEL1):c.2725C>T (p.Gln909Ter)

Genes: RTEL1-TNFRSF6B (RTEL1-TNFRSF6B readthrough (NMD candidate); plus strand), RTEL1 (regulator of telomere elongation helicase 1; plus strand). Cytogenetic location: 20q13.33.
Variant type: single nucleotide variant.
Coding change: c.2725C>T on transcript NM_001283009.2 (MANE Select); coding-DNA position 2725, C replaced by T.
Protein change: p.Gln909Ter; replaces glutamine 909 with a stop codon.
Molecular consequence: nonsense. On other transcripts: non-coding transcript variant (1).
Genome position (GRCh38, 1-based): chr20:63,692,877, C>T. VCF-style: chr20-63692877-C-T. GRCh37 (hg19) VCF-style: chr20-62324230-C-T.
Other names: c.2797C>T (NM_032957.4); c.2056C>T, p.Gln686Ter (NM_001283010.1); c.2725C>T, p.Gln909Ter (NM_016434.4); c.2797C>T, p.Gln933Ter (NM_032957.5); short protein forms Q686*, Q909*, Q933*.
Identifiers: ClinVar variation 941068 (VCV000941068.10), dbSNP rs866637461, ClinGen allele CA409682917.